The following is an entry in ClinVar:

ClinVar aggregate classification (germline): Likely benign (0 of 4 stars; one submission).

Conditions:
PLXNA1-related disorder. Also called: PLXNA1-related condition.

Allele frequency attached by ClinVar (database versions not stated): gnomAD exomes 0.00001; TOPMed 0.00002.
gnomAD v4.1: 7 of 1,613,536 alleles (0.00043%); highest among the groups gnomAD compares: Admixed American, 0.0083%; no homozygotes.

Submission:

PreventionGenetics, part of Exact Sciences
Classification: Likely benign for PLXNA1-related condition. Last evaluated: 2022-06-14. Review status: no assertion criteria provided. Collection method: clinical testing. Allele origin: germline.
Comment: This variant is classified as likely benign based on ACMG/AMP sequence variant interpretation guidelines (Richards et al. 2015 PMID: 25741868, with internal and published modifications).

NM_032242.4(PLXNA1):c.3339G>T (p.Val1113=)

Gene: PLXNA1 (plexin A1; plus strand). Cytogenetic location: 3q21.3.
Variant type: single nucleotide variant.
Coding change: c.3339G>T on transcript NM_032242.4 (MANE Select); coding-DNA position 3339, G replaced by T.
Protein change: p.Val1113=; no amino-acid change (valine 1113 retained).
Molecular consequence: synonymous variant.
Genome position (GRCh38, 1-based): chr3:127,017,487, G>T. VCF-style: chr3-127017487-G-T. GRCh37 (hg19) VCF-style: chr3-126736330-G-T.
Identifiers: ClinVar variation 3050552 (VCV003050552.2), dbSNP rs1314443529, ClinGen allele CA435760238.